The following is an entry in ClinVar:

ClinVar aggregate classification (germline): Pathogenic (1 of 4 stars; one submission).

Conditions:
Neurofibromatosis, type 1 (NF1). Also called: Neurofibromatosis, type I; VON RECKLINGHAUSEN DISEASE; NEUROFIBROMATOSIS, TYPE I, SOMATIC; Peripheral type neurofibromatosis. Identifiers: Orphanet 636, MedGen C0027831, MONDO:0018975, OMIM 162200. Disease mechanism: loss of function.

Submission:

Labcorp Genetics (formerly Invitae), Labcorp
Classification: Pathogenic for Neurofibromatosis, type 1. Last evaluated: 2023-03-02. Review status: criteria provided, single submitter. Criteria: Invitae Variant Classification Sherloc (09022015). Collection method: clinical testing. Allele origin: germline.
Comment: This variant has not been reported in the literature in individuals affected with NF1-related conditions. This variant is not present in population databases (gnomAD no frequency). This sequence change creates a premature translational stop signal (p.Tyr1763Leufs*10) in the NF1 gene. It is expected to result in an absent or disrupted protein product. Loss-of-function variants in NF1 are known to be pathogenic (PMID: 10712197, 23913538). For these reasons, this variant has been classified as Pathogenic.

Literature cited by the submitters: PubMed 10712197; PubMed 23913538.

NM_001042492.3(NF1):c.5351del (p.Tyr1784fs)

Gene: NF1 (neurofibromin 1; plus strand). Cytogenetic location: 17q11.2.
Variant type: Deletion.
Coding change: c.5351del on transcript NM_001042492.3 (MANE Select); coding-DNA position 5351, one base deleted (A; older notation c.5351delA).
Protein change: p.Tyr1784fs; shifts the reading frame from tyrosine 1784.
Molecular consequence: frameshift variant.
Genome position (GRCh38, 1-based): chr17:31,327,581, A deleted. VCF-style (leftmost placement, unchanged base first): chr17-31327580-TA-T. GRCh37 (hg19) VCF-style: chr17-29654598-TA-T.
Other names: c.5288delA, p.Tyr1763Leufs (NM_000267.4); short protein forms Y1784fs, Y1763fs.
Identifiers: ClinVar variation 2842055 (VCV002842055.3), dbSNP rs2508706005, ClinGen allele CA2739267466.
Genomic context (GRCh38, chr17:31,327,580, plus strand): 5'-GTAACTTCAGCAGAGCGAACAAAAGTCCTAGGGCAATCAGTCTTTCTAAATGACATTTAT[TA>T]TGCTTCGGAAATTGAAGAAATCTGCCTAGTAGATGAGAACCAGTTCACCTTAACCATTGC-3'